The following is an entry in ClinVar:

NC_000002.12:g.(?_86217029)_(86232812_?)del

Gene: REEP1 (receptor accessory protein 1; minus strand). Cytogenetic location: 2p11.2.
Variant type: Deletion.
Identifiers: ClinVar variation 830590 (VCV000830590.3).

ClinVar aggregate classification (germline): Likely pathogenic (1 of 4 stars; one submission).

Conditions:
Hereditary spastic paraplegia 31. Also called: SPASTIC PARAPLEGIA 31, AUTOSOMAL DOMINANT. Identifiers: Orphanet 101011, MedGen C1853247, MONDO:0012453, OMIM 610250.

Submission:

Labcorp Genetics (formerly Invitae), Labcorp
Classification: Likely pathogenic for Hereditary spastic paraplegia 31. Last evaluated: 2020-08-06. Review status: criteria provided, single submitter. Criteria: Invitae Variant Classification Sherloc (09022015). Collection method: clinical testing. Allele origin: germline.
Comment: In summary, the currently available evidence indicates that the variant is pathogenic, but additional data are needed to prove that conclusively. Therefore, this variant has been classified as Likely Pathogenic. This variant has been observed in individual(s) with hereditary spastic paraplegia (Invitae). It has also been observed to segregate with disease in related individuals. This variant is a gross deletion of the genomic region encompassing exons 6-7 of the REEP1 gene. The 5' boundary is likely confined to intron 5. The 3' end of this event is unknown as it extends through the termination codon beyond the assayed region for this gene and may encompass additional genes. While this deletion is not anticipated to result in nonsense mediated decay, it is expected to create a truncated protein product or disrupt mRNA translation.